The following is an entry in ClinVar:

ClinVar aggregate classification (germline): Likely benign (0 of 4 stars; one submission).

Conditions:
CP-related disorder. Also called: CP-related condition.

Allele frequency attached by ClinVar (database versions not stated): gnomAD 0.00001; 1000 Genomes Project 0.00020; 1000 Genomes Project 30x 0.00031.
gnomAD v4.1: 1 of 1,613,782 alleles (0.000062%); highest among the groups gnomAD compares: Admixed American, 0.0017%; no homozygotes.

Submission:

PreventionGenetics, part of Exact Sciences
Classification: Likely benign for CP-related condition. Last evaluated: 2022-03-14. Review status: no assertion criteria provided. Collection method: clinical testing. Allele origin: germline.
Comment: This variant is classified as likely benign based on ACMG/AMP sequence variant interpretation guidelines (Richards et al. 2015 PMID: 25741868, with internal and published modifications).

NM_000096.4(CP):c.39T>C (p.Cys13=)

Gene: CP (ceruloplasmin; minus strand). Cytogenetic location: 3q25.1.
Variant type: single nucleotide variant.
Coding change: c.39T>C on transcript NM_000096.4 (MANE Select); coding-DNA position 39, T replaced by C.
Protein change: p.Cys13=; no amino-acid change (cysteine 13 retained).
Molecular consequence: synonymous variant. On other transcripts: non-coding transcript variant (1).
Genome position (GRCh38, 1-based): chr3:149,221,754, A>G on the plus strand (T>C on the coding strand, the complement: CP is on the minus strand). VCF-style: chr3-149221754-A-G. GRCh37 (hg19) VCF-style: chr3-148939541-A-G.
Identifiers: ClinVar variation 3029760 (VCV003029760.2), dbSNP rs551624643, ClinGen allele CA85551973.